The following is an entry in ClinVar:

ClinVar aggregate classification (germline): Uncertain significance (1 of 4 stars; one submission).

Allele frequency attached by ClinVar (database versions not stated): gnomAD exomes 0.00001; gnomAD 0.00002; TOPMed 0.00003.
gnomAD v4.1: 17 of 1,545,130 alleles (0.0011%); highest among the groups gnomAD compares: African/African-American, 0.0069%; no homozygotes.

Submission:

Labcorp Genetics (formerly Invitae), Labcorp
Classification: Uncertain significance. Last evaluated: 2022-07-02. Review status: criteria provided, single submitter. Criteria: Invitae Variant Classification Sherloc (09022015). Collection method: clinical testing. Allele origin: germline.
Comment: In summary, the available evidence is currently insufficient to determine the role of this variant in disease. Therefore, it has been classified as a Variant of Uncertain Significance. Algorithms developed to predict the effect of missense changes on protein structure and function are either unavailable or do not agree on the potential impact of this missense change (SIFT: "Tolerated"; PolyPhen-2: "Probably Damaging"; Align-GVGD: "Class C0"). This variant has not been reported in the literature in individuals affected with TRIP4-related conditions. The frequency data for this variant in the population databases is considered unreliable, as metrics indicate poor data quality at this position in the gnomAD database. This sequence change replaces alanine, which is neutral and non-polar, with valine, which is neutral and non-polar, at codon 2 of the TRIP4 protein (p.Ala2Val).

NM_016213.5(TRIP4):c.5C>T (p.Ala2Val)

Gene: TRIP4 (thyroid hormone receptor interactor 4; plus strand). Cytogenetic location: 15q22.31.
Variant type: single nucleotide variant.
Coding change: c.5C>T on transcript NM_016213.5 (MANE Select); coding-DNA position 5, C replaced by T.
Protein change: p.Ala2Val; replaces alanine 2 with valine.
Molecular consequence: missense variant. On other transcripts: 5 prime UTR variant (1), non-coding transcript variant (1).
Genome position (GRCh38, 1-based): chr15:64,387,868, C>T. VCF-style: chr15-64387868-C-T. GRCh37 (hg19) VCF-style: chr15-64680067-C-T.
Other names: c.-770C>T (NM_001321924.2); short protein forms A2V.
Identifiers: ClinVar variation 1904001 (VCV001904001.4), dbSNP rs1213006715, ClinGen allele CA393193306.